The following is an entry in ClinVar:

ClinVar aggregate classification (germline): Uncertain significance (1 of 4 stars; one submission).

Conditions:
Episodic kinesigenic dyskinesia (EKD). Also called: Paroxysmal kinesigenic dyskinesia. Identifiers: Orphanet 98809, MedGen C1868682, MONDO:0044202.

Allele frequency attached by ClinVar (database versions not stated): TOPMed 0.00001; ExAC 0.00002; gnomAD exomes 0.00002 and 0.00004; ESP Exome Variant Server 0.00008.

Submission:

Labcorp Genetics (formerly Invitae), Labcorp
Classification: Uncertain significance for Episodic kinesigenic dyskinesia. Last evaluated: 2022-08-01. Review status: criteria provided, single submitter. Criteria: Invitae Variant Classification Sherloc (09022015). Collection method: clinical testing. Allele origin: germline.
Comment: This variant has not been reported in the literature in individuals affected with PRRT2-related conditions. In summary, the available evidence is currently insufficient to determine the role of this variant in disease. Therefore, it has been classified as a Variant of Uncertain Significance. Algorithms developed to predict the effect of missense changes on protein structure and function output the following: SIFT: "Deleterious"; PolyPhen-2: "Benign"; Align-GVGD: "Class C0". The histidine amino acid residue is found in multiple mammalian species, which suggests that this missense change does not adversely affect protein function. ClinVar contains an entry for this variant (Variation ID: 1433481). This variant is present in population databases (rs376602453, gnomAD 0.005%). This sequence change replaces glutamine, which is neutral and polar, with histidine, which is basic and polar, at codon 307 of the PRRT2 protein (p.Gln307His).

NM_145239.3(PRRT2):c.921G>C (p.Gln307His)

Genes: MVP-DT (MVP divergent transcript; minus strand), PRRT2 (proline rich transmembrane protein 2; plus strand). Cytogenetic location: 16p11.2.
Variant type: single nucleotide variant.
Coding change: c.921G>C on transcript NM_145239.3 (MANE Select); coding-DNA position 921, G replaced by C.
Protein change: p.Gln307His; replaces glutamine 307 with histidine.
Molecular consequence: missense variant. On other transcripts: 3 prime UTR variant (1).
Genome position (GRCh38, 1-based): chr16:29,814,374, G>C. VCF-style: chr16-29814374-G-C. GRCh37 (hg19) VCF-style: chr16-29825695-G-C.
Other names: c.921G>C, p.Gln307His (NM_001256442.2); c.*420G>C (NM_001256443.2); short protein forms Q307H.
Identifiers: ClinVar variation 1433481 (VCV001433481.8), dbSNP rs376602453, ClinGen allele CA7994626.